The following is an entry in ClinVar:

ClinVar aggregate classification (germline): Likely benign (0 of 4 stars; one submission).

Conditions:
PKD1-related disorder. Also called: PKD1-related condition.

Submission:

PreventionGenetics, part of Exact Sciences
Classification: Likely benign for PKD1-related condition. Last evaluated: 2024-04-25. Review status: no assertion criteria provided. Collection method: clinical testing. Allele origin: germline.
Comment: This variant is classified as likely benign based on ACMG/AMP sequence variant interpretation guidelines (Richards et al. 2015 PMID: 25741868, with internal and published modifications).

NM_001009944.3(PKD1):c.8379G>C (p.Leu2793=)

Gene: PKD1 (polycystin 1, transient receptor potential channel interacting; minus strand). Cytogenetic location: 16p13.3.
Variant type: single nucleotide variant.
Coding change: c.8379G>C on transcript NM_001009944.3 (MANE Select); coding-DNA position 8379, G replaced by C.
Protein change: p.Leu2793=; no amino-acid change (leucine 2793 retained).
Molecular consequence: synonymous variant.
Genome position (GRCh38, 1-based): chr16:2,103,678, C>G on the plus strand (G>C on the coding strand, the complement: PKD1 is on the minus strand). VCF-style: chr16-2103678-C-G. GRCh37 (hg19) VCF-style: chr16-2153679-C-G.
Other names: c.8379G>C, p.Leu2793= (NM_000296.4).
Identifiers: ClinVar variation 3354771 (VCV003354771.1).